The following is an entry in ClinVar:

ClinVar aggregate classification (germline): Likely pathogenic (1 of 4 stars; one submission).

Conditions:
Sulfite oxidase deficiency due to molybdenum cofactor deficiency type C. Also called: Molybdenum cofactor deficiency, complementation group C; Molybdenum cofactor deficiency C. Identifiers: Orphanet 308400, Orphanet 833, MedGen C1854990, MONDO:0014212, OMIM 615501.

Submission:

Labcorp Genetics (formerly Invitae), Labcorp
Classification: Likely pathogenic for Sulfite oxidase deficiency due to molybdenum cofactor deficiency type C. Last evaluated: 2024-09-17. Review status: criteria provided, single submitter. Criteria: Invitae Variant Classification Sherloc (09022015). Collection method: clinical testing. Allele origin: germline.
Comment: This sequence change affects a donor splice site in intron 15 of the GPHN gene. It is expected to disrupt RNA splicing. Variants that disrupt the donor or acceptor splice site typically lead to a loss of protein function (PMID: 16199547), and loss-of-function variants in GPHN are known to be pathogenic (PMID: 11095995, 23184456, 23393157, 24561070, 26613940). This variant is not present in population databases (gnomAD no frequency). This variant has not been reported in the literature in individuals affected with GPHN-related conditions. Algorithms developed to predict the effect of sequence changes on RNA splicing suggest that this variant may disrupt the consensus splice site. In summary, the currently available evidence indicates that the variant is pathogenic, but additional data are needed to prove that conclusively. Therefore, this variant has been classified as Likely Pathogenic.

Literature cited by the submitters: PubMed 16199547; PubMed 11095995; PubMed 23184456; PubMed 23393157; PubMed 24561070; PubMed 26613940.

NM_020806.5(GPHN):c.1472+1G>A

Gene: GPHN (gephyrin; plus strand). Cytogenetic location: 14q23.3.
Variant type: single nucleotide variant.
Coding change: c.1472+1G>A on transcript NM_020806.5 (MANE Select); the canonical splice donor site of the intron after coding-DNA position 1472, G replaced by A.
Molecular consequence: splice donor variant.
Genome position (GRCh38, 1-based): chr14:67,111,920, G>A. VCF-style: chr14-67111920-G-A. GRCh37 (hg19) VCF-style: chr14-67578637-G-A.
Other names: c.1532+1G>A (NM_001377514.1); c.1412+1G>A (NM_001377519.1); c.1502+1G>A (NM_001377515.1); c.1493+1G>A (NM_001377516.1); c.1430+1G>A (NM_001377518.1); c.1445+1G>A (NM_001377517.1); c.1373+1G>A (NM_001024218.2).
Identifiers: ClinVar variation 2714236 (VCV002714236.3), dbSNP rs2543395293, ClinGen allele CA390258371.